The following is an entry in ClinVar:

ClinVar aggregate classification (germline): Uncertain significance (1 of 4 stars; one submission).

Allele frequency attached by ClinVar (database versions not stated): ExAC 0.00001; gnomAD exomes 0.00001; gnomAD 0.00003; TOPMed 0.00014.
gnomAD v4.1: 14 of 1,584,160 alleles (0.00088%); highest among the groups gnomAD compares: African/African-American, 0.018%; no homozygotes.

Submission:

Labcorp Genetics (formerly Invitae), Labcorp
Classification: Uncertain significance. Last evaluated: 2023-11-01. Review status: criteria provided, single submitter. Criteria: Invitae Variant Classification Sherloc (09022015). Collection method: clinical testing. Allele origin: germline.
Comment: This sequence change replaces asparagine, which is neutral and polar, with isoleucine, which is neutral and non-polar, at codon 208 of the DNAAF4 protein (p.Asn208Ile). This variant is present in population databases (rs753637898, gnomAD 0.03%). This variant has not been reported in the literature in individuals affected with DNAAF4-related conditions. Advanced modeling of protein sequence and biophysical properties (such as structural, functional, and spatial information, amino acid conservation, physicochemical variation, residue mobility, and thermodynamic stability) performed at Invitae indicates that this missense variant is not expected to disrupt DNAAF4 protein function with a negative predictive value of 80%. In summary, the available evidence is currently insufficient to determine the role of this variant in disease. Therefore, it has been classified as a Variant of Uncertain Significance.

NM_130810.4(DNAAF4):c.623A>T (p.Asn208Ile)

Genes: DNAAF4 (dynein axonemal assembly factor 4; minus strand), DNAAF4-CCPG1 (DNAAF4-CCPG1 readthrough (NMD candidate); minus strand). Cytogenetic location: 15q21.3.
Variant type: single nucleotide variant.
Coding change: c.623A>T on transcript NM_130810.4 (MANE Select); coding-DNA position 623, A replaced by T.
Protein change: p.Asn208Ile; replaces asparagine 208 with isoleucine.
Molecular consequence: missense variant. On other transcripts: non-coding transcript variant (1).
Genome position (GRCh38, 1-based): chr15:55,466,944, T>A on the plus strand (A>T on the coding strand, the complement: DNAAF4 is on the minus strand). VCF-style: chr15-55466944-T-A. GRCh37 (hg19) VCF-style: chr15-55759142-T-A.
Other names: c.623A>T, p.Asn208Ile (NM_001033559.3, NM_001033560.2); short protein forms N208I.
Identifiers: ClinVar variation 2730928 (VCV002730928.3), dbSNP rs753637898, ClinGen allele CA7575003.